The following is an entry in ClinVar:

ClinVar aggregate classification (germline): Uncertain significance (1 of 4 stars; one submission).

Conditions:
Hereditary cancer-predisposing syndrome. Also called: Tumor predisposition; Hereditary Cancer Syndrome; Hereditary neoplastic syndrome; Neoplastic Syndromes, Hereditary. Identifiers: Orphanet 140162, MedGen C0027672, MeSH D009386, MONDO:0015356.

Submission:

Ambry Genetics
Classification: Uncertain significance for Hereditary cancer-predisposing syndrome. Last evaluated: 2025-11-06. Review status: criteria provided, single submitter. Criteria: Ambry Variant Classification Scheme 2023. Collection method: clinical testing. Allele origin: germline.
Comment: The c.441-4delG intronic variant, located in intron 3 of the PRKAR1A gene, results from a deletion of one nucleotide within intron 3 of the PRKAR1A gene. This nucleotide position is not well conserved in available vertebrate species. In silico splice site analysis for this alteration is inconclusive; however, direct evidence is insufficient at this time (Ambry internal data). Based on the available evidence, the clinical significance of this variant remains unclear.

NM_002734.5(PRKAR1A):c.441-4del

Gene: PRKAR1A (protein kinase cAMP-dependent type I regulatory subunit alpha; plus strand). Cytogenetic location: 17q24.2.
Variant type: Deletion.
Coding change: c.441-4del on transcript NM_002734.5 (MANE Select); 4 bases into the intron before coding-DNA position 441, one base deleted (G; older notation c.441-4delG).
Molecular consequence: intron variant.
Genome position (GRCh38, 1-based): chr17:68,524,012, G deleted. VCF-style (leftmost placement, unchanged base first): chr17-68524011-TG-T. GRCh37 (hg19) VCF-style: chr17-66520152-TG-T.
Other names: c.441-4del (NM_001278433.2, NM_001369389.1, NM_212471.3 and 4 more transcripts).
Identifiers: ClinVar variation 486164 (VCV000486164.6), dbSNP rs1555813509, ClinGen allele CA658658704.
Genomic context (GRCh38, chr17:68,524,011, plus strand): 5'-CTTAATGTTTGAAATTCACGGAAGAGACATGTGAAATGTAACACGAGGCCTTCTCTCTTT[TG>T]CAGTGATATTTTTGATGCCATGTTTTCGGTCTCCTTTATCGCAGGAGAGACTGTGATTCA-3'